The following is an entry in ClinVar:

ClinVar aggregate classification (germline): Conflicting classifications of pathogenicity. Review status: criteria provided, conflicting classifications (1 of 4 stars). 11 submissions from 11 submitters: Uncertain significance (6); Benign (1); Likely benign (1). 3 of the submissions do not count toward it. Last evaluated 2025-09-02.

Conditions:
Hereditary breast ovarian cancer syndrome. Also called: Hereditary breast and ovarian cancer syndrome; Hereditary breast and ovarian cancer; Hereditary breast and ovarian cancer syndrome (HBOC); Breast and ovarian cancer; Hereditary breast and/or ovarian cancer syndrome; BRCA1- and BRCA2-Associated Hereditary Breast and Ovarian Cancer. Identifiers: Orphanet 145, MedGen C0677776, MeSH D061325, MONDO:0003582. Disease mechanism: loss of function.
Hereditary cancer-predisposing syndrome. Also called: Neoplastic Syndromes, Hereditary; Tumor predisposition; Hereditary neoplastic syndrome; Hereditary Cancer Syndrome. Identifiers: Orphanet 140162, MedGen C0027672, MeSH D009386, MONDO:0015356.
Breast-ovarian cancer, familial, susceptibility to, 2 (BROVCA2). Also called: BRCA2 Hereditary Breast and Ovarian Cancer. Identifiers: Orphanet 145, MedGen C2675520, MONDO:0012933, OMIM 612555. Disease mechanism: loss of function.

Allele frequency attached by ClinVar (database versions not stated): gnomAD exomes 0.00002; ExAC 0.00003.
gnomAD v4.1: 10 of 1,613,866 alleles (0.00062%); highest among the groups gnomAD compares: East Asian, 0.022%; no homozygotes.

Submissions (11):

Labcorp Genetics (formerly Invitae), Labcorp
Classification: Uncertain significance for Hereditary breast ovarian cancer syndrome. Last evaluated: 2025-09-02. Review status: criteria provided, single submitter. Criteria: Invitae Variant Classification Sherloc (09022015). Collection method: clinical testing. Allele origin: germline.
Comment: This sequence change replaces valine, which is neutral and non-polar, with glycine, which is neutral and non-polar, at codon 2010 of the BRCA2 protein (p.Val2010Gly). This variant is present in population databases (rs80358839, gnomAD 0.03%). This missense change has been observed in individual(s) with a personal and/or family history of breast and/or ovarian cancer, stomach adenocarcinoma (PMID: 18779604, 19491284, 26689913, 27124784, 27658390, 29176636, 29215753, 30287823, 31907386). ClinVar contains an entry for this variant (Variation ID: 51991). Invitae Evidence Modeling of protein sequence and biophysical properties (such as structural, functional, and spatial information, amino acid conservation, physicochemical variation, residue mobility, and thermodynamic stability) indicates that this missense variant is not expected to disrupt BRCA2 protein function with a negative predictive value of 95%. In summary, the available evidence is currently insufficient to determine the role of this variant in disease. Therefore, it has been classified as a Variant of Uncertain Significance.

Color Diagnostics, LLC DBA Color Health
Classification: Uncertain significance for Hereditary cancer-predisposing syndrome. Last evaluated: 2025-07-15. Review status: criteria provided, single submitter. Criteria: ACMG Guidelines, 2015. Collection method: clinical testing. Allele origin: germline.
Comment: This missense variant replaces valine with glycine at codon 2010 of the BRCA2 protein. Computational prediction suggests that this variant may not impact protein structure and function. To our knowledge, functional studies have not been reported for this variant. This variant has been reported in individuals with a personal or family history of breast or ovarian cancer and in two individuals affected with esophageal cancer (PMID: 9133456,18779604, 24249303, 27658390, 29176636, 29215753, 31396961, 35681111). This variant has also been detected in breast, pancreatic, and prostate cancer case-control studies in which disease association could not be established (PMID: 30287823, 31214711, 32980694, 33471991Leiden Open Variation Database DB-ID BRCA2_002250). This variant has been identified in 5/250814 chromosomes in the general population by the Genome Aggregation Database (gnomAD). The available evidence is insufficient to determine the role of this variant in disease conclusively. Therefore, this variant is classified as a Variant of Uncertain Significance.

Ambry Genetics
Classification: Benign for Hereditary cancer-predisposing syndrome. Last evaluated: 2024-07-25. Review status: criteria provided, single submitter. Criteria: Ambry Variant Classification Scheme 2023. Collection method: clinical testing. Allele origin: germline.

All of Us Research Program, National Institutes of Health
Classification: Uncertain significance for Breast-ovarian cancer, familial, susceptibility to, 2. Last evaluated: 2023-05-31. Review status: criteria provided, single submitter. Criteria: ACMG Guidelines, 2015. Collection method: clinical testing. Allele origin: germline. Inheritance: Autosomal dominant inheritance. Observed: 1 variant allele, 1 heterozygote.
Comment: This missense variant replaces valine with glycine at codon 2010 of the BRCA2 protein. Computational prediction suggests that this variant may not impact protein structure and function (internally defined REVEL score threshold <= 0.5, PMID: 27666373). To our knowledge, functional studies have not been reported for this variant. This variant has been reported in individuals affected with breast cancer or prostate cancer, and has been reported in several unaffected individuals (PMID: 18779604, 24249303, 27658390, 29215753, 31214711, 32980694). In 2 large breast cancer case-control studies conducted in Japan and by the BRIDGES consortium, this variant was reported in 5/7051 female cases and 9/11241 female controls (OR=0.885632780741425 (0.2-2.9)) (PMID: 30287823), and in 2/60466 cases and 4/53461 controls (OR=0.442 (95%CI 0.081 to 2.414); p-value=0.429) (PMID: 33471991), respectively. This variant has been identified in 5/250814 chromosomes in the general population by the Genome Aggregation Database (gnomAD). The available evidence is insufficient to determine the role of this variant in disease conclusively. Therefore, this variant is classified as a Variant of Uncertain Significance.

This study involves interpretation of variants in research participants for the purpose of population health screening. Participant phenotype was not available at the time of variant classification. Additional details can be found in publication PMID: 35346344, PMCID: PMC8962531

University of Washington Department of Laboratory Medicine, University of Washington
Classification: Likely benign for Hereditary cancer-predisposing syndrome. Last evaluated: 2023-03-23. Review status: criteria provided, single submitter. Criteria: Dines et al. (Genet Med. 2020). Collection method: curation. Allele origin: germline.
Comment: Missense variant in a coldspot region where missense variants are very unlikely to be pathogenic (PMID:31911673).

BRCA2 exon 11 coldspot. Reclassification based on statistical prior probability.

GeneDx
Classification: Uncertain significance. Last evaluated: 2020-02-04. Review status: criteria provided, single submitter. Criteria: GeneDx Variant Classification Process June 2021. Collection method: clinical testing. Allele origin: germline. Affected: yes.
Comment: Observed in individuals with breast and other cancers (Inoue 1997, Kurian 2008, Haffty 2009, Lu 2015, Nakamura 2015, Yoon 2017, Momozawa 2018, So 2019); In silico analysis supports that this missense variant has a deleterious effect on protein structure/function; Also known as c.6257T>G; This variant is associated with the following publications: (PMID: 29338689, 18779604, 30415210, 30287823, 9133456, 24249303, 19491284, 26689913, 27658390, 30725392, 29215753, 31131967, 31822803, 29176636)

Quest Diagnostics Nichols Institute San Juan Capistrano
Classification: Uncertain significance. Last evaluated: 2019-04-12. Review status: criteria provided, single submitter. Criteria: Quest Diagnostics criteria. Collection method: clinical testing. Allele origin: germline.

Mendelics
Classification: Uncertain significance for Hereditary breast and ovarian cancer syndrome. Last evaluated: 2018-07-02. Review status: criteria provided, single submitter. Criteria: Mendelics Assertion Criteria 2017. Collection method: clinical testing. Allele origin: unknown.

Counsyl
Classification: Uncertain significance for Breast-ovarian cancer, familial, susceptibility to, 2. Last evaluated: 2016-03-10. Review status: no assertion criteria provided. Collection method: clinical testing. Allele origin: unknown. Not counted in ClinVar's aggregate classification.

Sharing Clinical Reports Project (SCRP)
Classification: Uncertain significance for Breast-ovarian cancer, familial 2. Last evaluated: 2012-08-24. Review status: no assertion criteria provided. Collection method: clinical testing. Allele origin: germline. Not counted in ClinVar's aggregate classification.

Breast Cancer Information Core (BIC) (BRCA2)
Classification: Uncertain significance for Breast-ovarian cancer, familial 2. Last evaluated: 2002-05-29. Review status: no assertion criteria provided. Collection method: clinical testing. Allele origin: germline. Affected: yes. Observed: 1 variant allele. Not counted in ClinVar's aggregate classification.

Literature cited by the submitters: PubMed 18779604 (cited by 6 submitters); PubMed 19491284 (cited by 4 submitters); PubMed 26689913 (cited by Labcorp Genetics (formerly Invitae), Labcorp and Counsyl); PubMed 27124784 (cited by Labcorp Genetics (formerly Invitae), Labcorp); PubMed 27658390 (cited by 5 submitters); PubMed 29176636 (cited by 3 submitters); PubMed 29215753 (cited by 3 submitters); PubMed 30287823 (cited by 4 submitters); PubMed 31907386 (cited by Labcorp Genetics (formerly Invitae), Labcorp); PubMed 9133456 (cited by Color Diagnostics, LLC DBA Color Health and Quest Diagnostics Nichols Institute San Juan Capistrano); PubMed 24249303 (cited by 4 submitters); PubMed 31214711 (cited by Color Diagnostics, LLC DBA Color Health and All of Us Research Program, National Institutes of Health); PubMed 31396961 (cited by Color Diagnostics, LLC DBA Color Health); PubMed 32980694 (cited by Color Diagnostics, LLC DBA Color Health and All of Us Research Program, National Institutes of Health); PubMed 33471991 (cited by Color Diagnostics, LLC DBA Color Health and All of Us Research Program, National Institutes of Health); PubMed 35681111 (cited by Color Diagnostics, LLC DBA Color Health); PubMed 30415210 (cited by Ambry Genetics); PubMed 32467295 (cited by Ambry Genetics); PubMed 30725392 (cited by Quest Diagnostics Nichols Institute San Juan Capistrano).

NM_000059.4(BRCA2):c.6029T>G (p.Val2010Gly)

Gene: BRCA2 (BRCA2 DNA repair associated; plus strand). Cytogenetic location: 13q13.1.
Variant type: single nucleotide variant.
Coding change: c.6029T>G on transcript NM_000059.4 (MANE Select); coding-DNA position 6029, T replaced by G.
Protein change: p.Val2010Gly; replaces valine 2010 with glycine.
Molecular consequence: missense variant.
Genome position (GRCh38, 1-based): chr13:32,340,384, T>G. VCF-style: chr13-32340384-T-G. GRCh37 (hg19) VCF-style: chr13-32914521-T-G.
Other names: p.V2010G:GTC>GGC; 6257T>G; short protein forms V2010G.
Identifiers: ClinVar variation 51991 (VCV000051991.27), dbSNP rs80358839, ClinGen allele CA023542.